The following is an entry in ClinVar:

NM_001397406.1(FDX2):c.142A>G (p.Thr48Ala)

Genes: FDX2 (ferredoxin 2; minus strand), FDX2-ZGLP1 (FDX2-ZGLP1 readthrough (NMD candidate); minus strand). Cytogenetic location: 19p13.2.
Variant type: single nucleotide variant.
Coding change: c.142A>G on transcript NM_001397406.1 (MANE Select); coding-DNA position 142, A replaced by G.
Protein change: p.Thr48Ala; replaces threonine 48 with alanine.
Molecular consequence: missense variant.
Genome position (GRCh38, 1-based): chr19:10,315,855, T>C on the plus strand (A>G on the coding strand, the complement: FDX2 is on the minus strand). VCF-style: chr19-10315855-T-C. GRCh37 (hg19) VCF-style: chr19-10426531-T-C.
Other names: short protein forms T48A.
Identifiers: ClinVar variation 1499578 (VCV001499578.6), dbSNP rs1599295146, ClinGen allele CA403979244.

ClinVar aggregate classification (germline): Uncertain significance (1 of 4 stars; one submission).

Allele frequency attached by ClinVar (database versions not stated): gnomAD exomes below 0.00001.
gnomAD v4.1: 1 of 1,599,554 alleles (0.000063%); highest among the groups gnomAD compares: South Asian, 0.0011%; no homozygotes.

Submission:

Labcorp Genetics (formerly Invitae), Labcorp
Classification: Uncertain significance. Last evaluated: 2021-11-13. Review status: criteria provided, single submitter. Criteria: Invitae Variant Classification Sherloc (09022015). Collection method: clinical testing. Allele origin: germline.
Comment: This sequence change replaces threonine, which is neutral and polar, with alanine, which is neutral and non-polar, at codon 51 of the FDX2 protein (p.Thr51Ala). In summary, the available evidence is currently insufficient to determine the role of this variant in disease. Therefore, it has been classified as a Variant of Uncertain Significance. Algorithms developed to predict the effect of missense changes on protein structure and function output the following: SIFT: "Tolerated"; PolyPhen-2: "Not Available"; Align-GVGD: "Class C0". The alanine amino acid residue is found in multiple mammalian species, which suggests that this missense change does not adversely affect protein function. This variant has not been reported in the literature in individuals affected with FDX2-related conditions. This variant is not present in population databases (gnomAD no frequency).